The following is an entry in ClinVar:

NM_020458.4(TTC7A):c.503C>G (p.Ala168Gly)

Gene: TTC7A (tetratricopeptide repeat domain 7A; plus strand). Cytogenetic location: 2p21.
Variant type: single nucleotide variant.
Coding change: c.503C>G on transcript NM_020458.4 (MANE Select); coding-DNA position 503, C replaced by G.
Protein change: p.Ala168Gly; replaces alanine 168 with glycine.
Molecular consequence: missense variant. On other transcripts: 5 prime UTR variant (1).
Genome position (GRCh38, 1-based): chr2:46,956,993, C>G. VCF-style: chr2-46956993-C-G. GRCh37 (hg19) VCF-style: chr2-47184132-C-G.
Other names: c.503C>G, p.Ala168Gly (NM_001288951.2); c.401C>G, p.Ala134Gly (NM_001288953.2); c.-402C>G (NM_001288955.2); short protein forms A168G, A134G.
Identifiers: ClinVar variation 1901806 (VCV001901806.2), dbSNP rs778222150, ClinGen allele CA1647182.
Genomic context (GRCh38, chr2:46,956,993, plus strand): 5'-GGATTGATGACATGTCCATGGAGAACAAGCCCCTGTATCAGATGCGGCTGCTGTCGGAGG[C>G]TTTTGTCATCAAAGGTAGCTGTGGGCACCAGCCTGGGCTCCCCTCCACTGTGTGCAGCTC-3'
Protein context (NP_065191.2, residues 158-178): PLYQMRLLSE[Ala168Gly]FVIKGLSLER

ClinVar aggregate classification (germline): Uncertain significance (1 of 4 stars; one submission).

Conditions:
Multiple gastrointestinal atresias. Also called: Multiple intestinal atresia; FAMILIAL INTESTINAL POLYATRESIA SYNDROME. Identifiers: Orphanet 2300, MedGen C0220744, MONDO:0009465.

Allele frequency attached by ClinVar (database versions not stated): gnomAD exomes below 0.00001; ExAC 0.00001; gnomAD 0.00001.
gnomAD v4.1: 2 of 1,614,014 alleles (0.00012%); highest among the groups gnomAD compares: East Asian, 0.0045%; no homozygotes.

Submission:

Labcorp Genetics (formerly Invitae), Labcorp
Classification: Uncertain significance for Multiple gastrointestinal atresias. Last evaluated: 2022-03-13. Review status: criteria provided, single submitter. Criteria: Invitae Variant Classification Sherloc (09022015). Collection method: clinical testing. Allele origin: germline.
Comment: This sequence change replaces alanine, which is neutral and non-polar, with glycine, which is neutral and non-polar, at codon 168 of the TTC7A protein (p.Ala168Gly). This variant is present in population databases (rs778222150, gnomAD 0.006%). This variant has not been reported in the literature in individuals affected with TTC7A-related conditions. Algorithms developed to predict the effect of missense changes on protein structure and function are either unavailable or do not agree on the potential impact of this missense change (SIFT: "Tolerated"; PolyPhen-2: "Possibly Damaging"; Align-GVGD: "Class C0"). In summary, the available evidence is currently insufficient to determine the role of this variant in disease. Therefore, it has been classified as a Variant of Uncertain Significance.